The following is an entry in ClinVar:

ClinVar aggregate classification (germline): Likely benign. Review status: criteria provided, multiple submitters, no conflicts (2 of 4 stars). 2 submissions from 2 submitters: Likely benign (2). Last evaluated 2025-10-23.

Conditions:
Immunodeficiency due to CD25 deficiency. Also called: IMMUNODEFICIENCY 41 WITH LYMPHOPROLIFERATION AND AUTOIMMUNITY; IL2RA DEFICIENCY; CD25 DEFICIENCY. Identifiers: Orphanet 169100, MedGen C1853392, MONDO:0011664, OMIM 606367.

Allele frequency attached by ClinVar (database versions not stated): gnomAD exomes below 0.00001; ExAC 0.00001; gnomAD 0.00001; TOPMed 0.00001.
gnomAD v4.1: 23 of 1,614,030 alleles (0.0014%); highest among the groups gnomAD compares: African/African-American, 0.0067%; no homozygotes.

Submissions (2):

Mayo Clinic Laboratories, Mayo Clinic
Classification: Likely benign. Last evaluated: 2025-10-23. Review status: criteria provided, single submitter. Criteria: ACMG Guidelines, 2015. Collection method: clinical testing. Allele origin: germline. Observed: 1 variant allele.
Comment: BP4, BP7, PM2_supporting

Labcorp Genetics (formerly Invitae), Labcorp
Classification: Likely benign for Immunodeficiency due to CD25 deficiency. Last evaluated: 2024-11-06. Review status: criteria provided, single submitter. Criteria: Invitae Variant Classification Sherloc (09022015). Collection method: clinical testing. Allele origin: germline.

NM_000417.3(IL2RA):c.606C>T (p.Ser202=)

Gene: IL2RA (interleukin 2 receptor subunit alpha; minus strand). Cytogenetic location: 10p15.1.
Variant type: single nucleotide variant.
Coding change: c.606C>T on transcript NM_000417.3 (MANE Select); coding-DNA position 606, C replaced by T.
Protein change: p.Ser202=; no amino-acid change (serine 202 retained).
Molecular consequence: synonymous variant. On other transcripts: intron variant (1).
Genome position (GRCh38, 1-based): chr10:6,019,919, G>A on the plus strand (C>T on the coding strand, the complement: IL2RA is on the minus strand). VCF-style: chr10-6019919-G-A. GRCh37 (hg19) VCF-style: chr10-6061882-G-A.
Other names: p.Ser202=; c.390C>T, p.Ser130= (NM_001308242.2); c.368-420C>T (NM_001308243.2).
Identifiers: ClinVar variation 1564893 (VCV001564893.9), dbSNP rs763179568, ClinGen allele CA5397393.
Genomic context (GRCh38, chr10:6,019,919, plus strand): 5'-TTCTCCCGCACCTGTTGTTGTGACGAGGCAGGAAGTCTCACTCTCAGGACGGCCTTCGGG[G>A]CTTGCCTGAGGCTTCTCTTCACCTGGGGGAGAGAGTAAGTGATGCTGGTGGAGCTAAACA-3'
Protein context (NP_000408.1, residues 192-212): QFPGEEKPQA[Ser202=]PEGRPESETS